The following continues an entry in ClinVar:

NM_000059.4(BRCA2):c.1654del (p.Ser552fs)

Gene: BRCA2. ClinVar aggregate classification (germline): Pathogenic. Pathogenic (1).

Submissions 11 to 15 of 15:

ARUP Laboratories, Molecular Genetics and Genomics, ARUP Laboratories
Classification: Pathogenic. Last evaluated: 2019-12-13. Review status: criteria provided, single submitter. Criteria: ARUP Molecular Germline Variant Investigation Process. Collection method: clinical testing. Allele origin: germline. Not counted in ClinVar's aggregate classification.
Comment: The BRCA2 c.1654delT; p.Ser552fs variant (rs80359297), also known as 1882delT, is reported in the literature in multiple individuals affected with breast and other cancers (Kanaan 2003, Olopade 2003). This variant is reported in ClinVar (Variation ID: 51168), and is absent from general population databases (Exome Variant Server, Genome Aggregation Database), indicating it is not a common polymorphism. This variant causes a frameshift by deleting a single nucleotide, so it is predicted to result in a truncated protein or mRNA subject to nonsense-mediated decay. Additionally, several downstream truncating variants have been described in individuals with breast and/or ovarian cancer and are considered pathogenic (Kanaan 2003, Olopade 2003). Based on available information, this variant is considered to be pathogenic. References: Kanaan Y et al. Inherited BRCA2 mutations in African Americans with breast and/or ovarian cancer: a study of familial and early onset cases. Hum Genet. 2003 Oct;113(5):452-60. Olopade OI et al. Breast cancer genetics in African Americans. Cancer. 2003 Jan 1;97(1 Suppl):236-45.

Consortium of Investigators of Modifiers of BRCA1/2 (CIMBA), c/o University of Cambridge
Classification: Pathogenic for Breast-ovarian cancer, familial, susceptibility to, 2. Last evaluated: 2015-10-02. Review status: criteria provided, single submitter. Criteria: CIMBA Mutation Classification guidelines May 2016. Collection method: clinical testing. Allele origin: germline. Not counted in ClinVar's aggregate classification.

Research Molecular Genetics Laboratory, Women's College Hospital, University of Toronto
Classification: Pathogenic for Hereditary breast ovarian cancer syndrome. Last evaluated: 2014-01-31. Review status: no assertion criteria provided. Collection method: research. Allele origin: germline. Affected: yes. Study: The Canadian Open Genetics Repository (COGR). Not counted in ClinVar's aggregate classification.

Sharing Clinical Reports Project (SCRP)
Classification: Pathogenic for Breast-ovarian cancer, familial 2. Last evaluated: 2012-11-27. Review status: no assertion criteria provided. Collection method: clinical testing. Allele origin: germline. Not counted in ClinVar's aggregate classification.

Breast Cancer Information Core (BIC) (BRCA2)
Classification: Pathogenic for Breast-ovarian cancer, familial 2. Last evaluated: 2000-07-07. Review status: no assertion criteria provided. Collection method: clinical testing. Allele origin: germline. Affected: yes. Observed: 5 variant alleles. Not counted in ClinVar's aggregate classification.

Literature cited by the submitters: PubMed 20104584 (cited by Labcorp Genetics (formerly Invitae), Labcorp); PubMed 12942367 (cited by 6 submitters); PubMed 28888541 (cited by Quest Diagnostics Nichols Institute San Juan Capistrano); PubMed 31948886 (cited by Quest Diagnostics Nichols Institute San Juan Capistrano and Women's Health and Genetics/Laboratory Corporation of America, LabCorp); PubMed 29446198 (cited by 4 submitters); PubMed 32614418 (cited by All of Us Research Program, National Institutes of Health and Color Diagnostics, LLC DBA Color Health); PubMed 33471991 (cited by All of Us Research Program, National Institutes of Health and Color Diagnostics, LLC DBA Color Health); PubMed 12491487 (cited by Women's Health and Genetics/Laboratory Corporation of America, LabCorp).